The following is an entry in ClinVar:

NM_198253.3(TERT):c.2383-5C>G

Gene: TERT (telomerase reverse transcriptase; minus strand). Cytogenetic location: 5p15.33.
Variant type: single nucleotide variant.
Coding change: c.2383-5C>G on transcript NM_198253.3 (MANE Select); 5 bases into the intron before coding-DNA position 2383, C replaced by G.
Molecular consequence: intron variant.
Genome position (GRCh38, 1-based): chr5:1,271,209, G>C on the plus strand (C>G on the coding strand, the complement: TERT is on the minus strand). VCF-style: chr5-1271209-G-C. GRCh37 (hg19) VCF-style: chr5-1271324-G-C.
Other names: c.2383-5C>G (NM_001193376.3).
Identifiers: ClinVar variation 657653 (VCV000657653.10), dbSNP rs373488315, ClinGen allele CA3184527.

ClinVar aggregate classification (germline): Conflicting classifications of pathogenicity. Review status: criteria provided, conflicting classifications (1 of 4 stars). 2 submissions from 2 submitters: Uncertain significance (1); Likely benign (1). Last evaluated 2025-04-29.

Conditions:
Dyskeratosis congenita, autosomal dominant 2. Identifiers: MedGen C3151443, MONDO:0013521, OMIM 613989.
Idiopathic Pulmonary Fibrosis. Also called: Idiopathic fibrosing alveolitis, chronic form; idiopathic fibrosing alveolitis. Identifiers: Orphanet 2032, MedGen C1800706, MeSH D054990, MONDO:0800504.
Dyskeratosis congenita. Identifiers: Orphanet 1775, MedGen C0265965, MONDO:0015780.

Allele frequency attached by ClinVar (database versions not stated): TOPMed 0.00006.
gnomAD v4.1: 17 of 1,609,632 alleles (0.0011%); highest among the groups gnomAD compares: African/African-American, 0.017%; no homozygotes.

Submissions (2):

Ambry Genetics
Classification: Uncertain significance for Dyskeratosis congenita. Last evaluated: 2025-04-29. Review status: criteria provided, single submitter. Criteria: Ambry Variant Classification Scheme 2023. Collection method: clinical testing. Allele origin: germline.
Comment: The c.2383-5C>G intronic variant results from a C to G substitution 5 nucleotides upstream from coding exon 8 in the TERT gene. This nucleotide position is poorly conserved in available vertebrate species. In silico splice site analysis predicts that this alteration will not have any significant effect on splicing. Based on the available evidence, the clinical significance of this variant remains unclear.

Labcorp Genetics (formerly Invitae), Labcorp
Classification: Likely benign for Dyskeratosis congenita, autosomal dominant 2; Idiopathic Pulmonary Fibrosis. Last evaluated: 2024-04-29. Review status: criteria provided, single submitter. Criteria: Invitae Variant Classification Sherloc (09022015). Collection method: clinical testing. Allele origin: germline.